The following is an entry in ClinVar:

NM_001854.4(COL11A1):c.24G>T (p.Trp8Cys)

Gene: COL11A1 (collagen type XI alpha 1 chain; minus strand). Cytogenetic location: 1p21.1.
Variant type: single nucleotide variant.
Coding change: c.24G>T on transcript NM_001854.4 (MANE Select); coding-DNA position 24, G replaced by T.
Protein change: p.Trp8Cys; replaces tryptophan 8 with cysteine.
Molecular consequence: missense variant. On other transcripts: non-coding transcript variant (1).
Genome position (GRCh38, 1-based): chr1:103,108,155, C>A on the plus strand (G>T on the coding strand, the complement: COL11A1 is on the minus strand). VCF-style: chr1-103108155-C-A. GRCh37 (hg19) VCF-style: chr1-103573711-C-A.
Other names: c.24G>T, p.Trp8Cys (NM_001168249.1, NM_001190709.2, NM_080629.3 and 1 more transcripts); short protein forms W8C.
Identifiers: ClinVar variation 1959099 (VCV001959099.5), dbSNP rs1674862237, ClinGen allele CA341159867.

ClinVar aggregate classification (germline): Uncertain significance (1 of 4 stars; one submission).

Submission:

Labcorp Genetics (formerly Invitae), Labcorp
Classification: Uncertain significance. Last evaluated: 2022-08-01. Review status: criteria provided, single submitter. Criteria: Invitae Variant Classification Sherloc (09022015). Collection method: clinical testing. Allele origin: germline.
Comment: In summary, the available evidence is currently insufficient to determine the role of this variant in disease. Therefore, it has been classified as a Variant of Uncertain Significance. Advanced modeling of protein sequence and biophysical properties (such as structural, functional, and spatial information, amino acid conservation, physicochemical variation, residue mobility, and thermodynamic stability) performed at Invitae indicates that this missense variant is not expected to disrupt COL11A1 protein function. This variant has not been reported in the literature in individuals affected with COL11A1-related conditions. This variant is not present in population databases (gnomAD no frequency). This sequence change replaces tryptophan, which is neutral and slightly polar, with cysteine, which is neutral and slightly polar, at codon 8 of the COL11A1 protein (p.Trp8Cys).